The following is an entry in ClinVar:

ClinVar aggregate classification (germline): Likely pathogenic. Review status: criteria provided, multiple submitters, no conflicts (2 of 4 stars). 4 submissions from 4 submitters: Likely pathogenic (2). 2 of the submissions do not count toward it. Last evaluated 2023-11-01.

Conditions:
Brown-Vialetto-van Laere syndrome 1. Also called: BROWN-VIALETTO-VAN LAERE SYNDROME 1, MILD; BULBAR PALSY, PROGRESSIVE, WITH SENSORINEURAL DEAFNESS; PONTOBULBAR PALSY WITH DEAFNESS. Identifiers: Orphanet 572550, Orphanet 97229, MedGen C0796274, MONDO:0024537, OMIM 211530.

Submissions (4):

GeneDx
Classification: Likely pathogenic. Last evaluated: 2023-11-01. Review status: criteria provided, single submitter. Criteria: GeneDx Variant Classification Process June 2021. Collection method: clinical testing. Allele origin: germline. Affected: yes.
Comment: Frameshift variant predicted to result in protein truncation as the last 28 amino acids are replaced with 63 different amino acids, although loss-of-function variants have not been reported downstream of this position in the protein; Not observed at significant frequency in large population cohorts (gnomAD); This variant is associated with the following publications: (PMID: 26072523, 20206331, 23107375, 34797406)

Revvity Omics, Revvity
Classification: Likely pathogenic. Last evaluated: 2020-12-07. Review status: criteria provided, single submitter. Criteria: ACMG Guidelines, 2015. Collection method: clinical testing. Allele origin: germline.

GeneReviews
Classification: Pathogenic for Brown-Vialetto-Van laere syndrome. Last evaluated: 2015-03-17. Review status: no assertion criteria provided. Collection method: literature only. Allele origin: germline. Affected: yes. Not counted in ClinVar's aggregate classification.

OMIM
Classification: Pathogenic for BROWN-VIALETTO-VAN LAERE SYNDROME 1. Last evaluated: 2010-03-12. Review status: no assertion criteria provided. Collection method: literature only. Allele origin: germline. Not counted in ClinVar's aggregate classification.

Literature cited by the submitters: PubMed 20206331 (cited by GeneReviews and OMIM).

NM_033409.4(SLC52A3):c.1325_1326del (p.Leu442fs)

Gene: SLC52A3 (solute carrier family 52 member 3; minus strand). Cytogenetic location: 20p13.
Variant type: Deletion.
Coding change: c.1325_1326del on transcript NM_033409.4 (MANE Select); coding-DNA positions 1325 to 1326, 2 bases deleted (TC; older notation c.1325_1326delTC).
Protein change: p.Leu442fs; shifts the reading frame from leucine 442.
Molecular consequence: frameshift variant.
Genome position (GRCh38, 1-based): chr20:761,110-761,111, GA deleted on the plus strand (TC on the coding strand, the reverse complement: SLC52A3 is on the minus strand); deleting any 2 consecutive bases within chr20:761,110-761,112 gives the same sequence; the c. name uses the placement nearest the transcript's 3' end. VCF-style (leftmost placement, unchanged base first): chr20-761109-CGA-C. GRCh37 (hg19) VCF-style: chr20-741753-CGA-C.
Other names: Leu442ArgfsX64; c.1325_1326delTG (NM_033409.3); c.1325_1326delTC (NM_033409.3); c.1325_1326del, p.Leu442fs (NM_001370085.1, NM_001370086.1); short protein forms L442fs.
Identifiers: ClinVar variation 139 (VCV000000139.10), dbSNP rs794728004, ClinGen allele CA113912.
Genomic context (GRCh38, chr20:761,109, plus strand): 5'-AGAAGTCCGCGGACGAGAAGAGCCGCAGCACGTTGACCAGAGGGAACATGAGCAGCGCTC[CGA>C]GCAGCGAGCCCAGCTGCACCGCCGCCCCGCACCACAAGAGGGCGCTGCGGCTGAGGTCGC-3'